The following is an entry in ClinVar:

ClinVar aggregate classification (germline): Benign/Likely benign. Review status: criteria provided, multiple submitters, no conflicts (2 of 4 stars). 2 submissions from 2 submitters: Benign (1); Likely benign (1). Last evaluated 2024-05-24.

Conditions:
Ataxia-telangiectasia syndrome (AT). Also called: ATAXIA-TELANGIECTASIA, COMPLEMENTATION GROUP A; ATAXIA-TELANGIECTASIA, FRESNO VARIANT; Ataxia-telangiectasia; Ataxia-telangiectasia, complementation group E; LOUIS-BAR SYNDROME; Cerebello-oculocutaneous telangiectasia. Identifiers: Orphanet 100, MedGen C0004135, MONDO:0008840, OMIM 208900.
Familial cancer of breast. Also called: BREAST CANCER, FAMILIAL; hereditary breast carcinoma; Hereditary breast cancer. Identifiers: Orphanet 227535, MedGen C0346153, MONDO:0016419, OMIM 114480. Disease mechanism: loss of function.

Allele frequency attached by ClinVar (database versions not stated): gnomAD exomes below 0.00001.
gnomAD v4.1: 1 of 1,613,446 alleles (0.000062%); highest among the groups gnomAD compares: Non-Finnish European, 0.000085%; no homozygotes.

Submissions (2):

Myriad Genetics, Inc.
Classification: Benign for Familial cancer of breast. Last evaluated: 2024-05-24. Review status: criteria provided, single submitter. Criteria: Myriad Autosomal Dominant, Autosomal Recessive and X-Linked Classification Criteria (2023). Collection method: clinical testing. Allele origin: unknown.
Comment: This variant is considered benign. This variant is a silent/synonymous amino acid change and it is not expected to impact splicing.

Labcorp Genetics (formerly Invitae), Labcorp
Classification: Likely benign for Ataxia-telangiectasia syndrome. Last evaluated: 2023-03-22. Review status: criteria provided, single submitter. Criteria: Invitae Variant Classification Sherloc (09022015). Collection method: clinical testing. Allele origin: germline.

NM_000051.4(ATM):c.5800C>T (p.Leu1934=)

Genes: ATM (ATM serine/threonine kinase; plus strand), C11orf65 (chromosome 11 open reading frame 65; minus strand). Cytogenetic location: 11q22.3.
Variant type: single nucleotide variant.
Coding change: c.5800C>T on transcript NM_000051.4 (MANE Select); coding-DNA position 5800, C replaced by T.
Protein change: p.Leu1934=; no amino-acid change (leucine 1934 retained).
Molecular consequence: synonymous variant. On other transcripts: intron variant (2).
Genome position (GRCh38, 1-based): chr11:108,310,197, C>T. VCF-style: chr11-108310197-C-T. GRCh37 (hg19) VCF-style: chr11-108180924-C-T.
Other names: c.5800C>T, p.Leu1934= (NM_001351834.2); c.641-1126G>A (NM_001330368.2); c.*39-1126G>A (NM_001351110.2).
Identifiers: ClinVar variation 2131903 (VCV002131903.5), dbSNP rs2084026395, ClinGen allele CA476675452.